The following is an entry in ClinVar:

NM_001354604.2(MITF):c.1031+15G>A

Gene: MITF (melanocyte inducing transcription factor; plus strand). Cytogenetic location: 3p13.
Variant type: single nucleotide variant.
Coding change: c.1031+15G>A on transcript NM_001354604.2 (MANE Select); 15 bases into the intron after coding-DNA position 1031, G replaced by A.
Molecular consequence: intron variant.
Genome position (GRCh38, 1-based): chr3:69,956,545, G>A. VCF-style: chr3-69956545-G-A. GRCh37 (hg19) VCF-style: chr3-70005696-G-A.
Other names: c.962+15G>A (NM_001354607.2); c.857+15G>A (NM_001354608.2, NM_001184967.2); c.1013+15G>A (NM_198159.3); c.1028+15G>A (NM_001354605.2); c.1010+15G>A (NM_001354606.2, NM_006722.3); c.965+15G>A (NM_198177.3); c.710+15G>A (NM_000248.4); c.692+15G>A (NM_198158.3); and 1 more.
Identifiers: ClinVar variation 346496 (VCV000346496.17), dbSNP rs144757214, ClinGen allele CA2490535.

ClinVar aggregate classification (germline): Conflicting classifications of pathogenicity. Review status: criteria provided, conflicting classifications (1 of 4 stars). 5 submissions from 4 submitters: Uncertain significance (1); Likely benign (4). Last evaluated 2025-12-31.

Conditions:
Melanoma, cutaneous malignant, susceptibility to, 8. Also called: MELANOMA AND RENAL CELL CARCINOMA, SUSCEPTIBILITY TO; Cutaneous malignant melanoma 8. Identifiers: Orphanet 293822, MedGen C3152204, MONDO:0013759, OMIM 614456.
Tietz syndrome (TADS). Also called: ALBINISM-DEAFNESS OF TIETZ; HYPOPIGMENTATION/DEAFNESS OF TIETZ; TIETZ ALBINISM-DEAFNESS SYNDROME. Identifiers: Orphanet 42665, MedGen C0391816, MONDO:0007077, OMIM 103500.
Waardenburg syndrome type 2A (WS2A). Also called: WAARDENBURG SYNDROME WITHOUT DYSTOPIA CANTHORUM. Identifiers: Orphanet 3440, MedGen C1860339, MONDO:0008671, OMIM 193510.

Allele frequency attached by ClinVar (database versions not stated): gnomAD 0.00003; TOPMed 0.00005; ExAC 0.00006; gnomAD exomes 0.00006; 1000 Genomes Project 30x 0.00016; 1000 Genomes Project 0.00020.
gnomAD v4.1: 75 of 1,594,208 alleles (0.0047%); highest among the groups gnomAD compares: Middle Eastern, 0.067%; no homozygotes.

Submissions (5):

Labcorp Genetics (formerly Invitae), Labcorp
Classification: Likely benign for Melanoma, cutaneous malignant, susceptibility to, 8; Waardenburg syndrome type 2A; Tietz syndrome. Last evaluated: 2025-12-31. Review status: criteria provided, single submitter. Criteria: Invitae Variant Classification Sherloc (09022015). Collection method: clinical testing. Allele origin: germline.

Center for Genomic Medicine, Rigshospitalet, Copenhagen University Hospital
Classification: Likely benign. Last evaluated: 2025-03-04. Review status: criteria provided, single submitter. Criteria: ACMG Guidelines, 2015. Collection method: clinical testing. Allele origin: germline.

Blueprint Genetics
Classification: Likely benign. Last evaluated: 2023-09-20. Review status: criteria provided, single submitter. Criteria: ACMG Guidelines, 2015. Collection method: clinical testing. Allele origin: germline.

Illumina Laboratory Services, Illumina
Classification: Likely benign for Tietz syndrome. Last evaluated: 2018-01-12. Review status: criteria provided, single submitter. Criteria: ICSL Variant Classification Criteria 13 December 2019. Collection method: clinical testing. Allele origin: germline.
Comment: This variant was observed in the ICSL laboratory as part of a predisposition screen in an ostensibly healthy population. It had not been previously curated by ICSL or reported in the Human Gene Mutation Database (HGMD: prior to June 1st, 2018), and was therefore a candidate for classification through an automated scoring system. Utilizing variant allele frequency, disease prevalence and penetrance estimates, and inheritance mode, an automated score was calculated to assess if this variant is too frequent to cause the disease. Based on the score and internal cut-off values, a variant classified as likely benign is not then subjected to further curation. The score for this variant resulted in a classification of likely benign for this disease.

Illumina Laboratory Services, Illumina
Classification: Uncertain significance for Waardenburg syndrome type 2A. Last evaluated: 2018-01-12. Review status: criteria provided, single submitter. Criteria: ICSL Variant Classification Criteria 13 December 2019. Collection method: clinical testing. Allele origin: germline.